The following is an entry in ClinVar:

NM_020297.4(ABCC9):c.-4A>G

Gene: ABCC9 (ATP binding cassette subfamily C member 9; minus strand). Cytogenetic location: 12p12.1.
Variant type: single nucleotide variant.
Coding change: c.-4A>G on transcript NM_020297.4 (MANE Select); 4 bases upstream of the start codon, A replaced by G.
Molecular consequence: 5 prime UTR variant.
Genome position (GRCh38, 1-based): chr12:21,936,678, T>C on the plus strand (A>G on the coding strand, the complement: ABCC9 is on the minus strand). VCF-style: chr12-21936678-T-C. GRCh37 (hg19) VCF-style: chr12-22089612-T-C.
Other names: c.-4A>G (NM_001377273.1, NM_005691.4); c.-458A>G (NM_001377274.1).
Identifiers: ClinVar variation 1744681 (VCV001744681.2), dbSNP rs1452313826, ClinGen allele CA603678109.

ClinVar aggregate classification (germline): Uncertain significance (1 of 4 stars; one submission).

Conditions:
Cardiovascular phenotype. Identifiers: MedGen CN230736.

Allele frequency attached by ClinVar (database versions not stated): gnomAD exomes 0.00001.
gnomAD v4.1: 7 of 1,605,804 alleles (0.00044%); highest among the groups gnomAD compares: Non-Finnish European, 0.0006%; no homozygotes.

Submission:

Ambry Genetics
Classification: Uncertain significance for Cardiovascular phenotype. Last evaluated: 2020-04-29. Review status: criteria provided, single submitter. Criteria: Ambry Variant Classification Scheme 2023. Collection method: clinical testing. Allele origin: germline.
Comment: The c.-4A>G variant is located in the 5' untranslated region (5&rsquo; UTR) of the ABCC9 gene. This variant results from an A to G substitution 4 bases upstream from the first translated codon. This nucleotide position is well conserved in available vertebrate species. Since supporting evidence is limited at this time, the clinical significance of this alteration remains unclear.